The following is an entry in ClinVar:

ClinVar aggregate classification (germline): Pathogenic (1 of 4 stars; one submission).

Conditions:
Primary ciliary dyskinesia 3. Identifiers: Orphanet 244, MedGen C1837618, MONDO:0012085, OMIM 608644.

Submission:

Myriad Genetics, Inc.
Classification: Pathogenic for Primary ciliary dyskinesia 3. Last evaluated: 2024-05-14. Review status: criteria provided, single submitter. Criteria: Myriad Autosomal Dominant, Autosomal Recessive and X-Linked Classification Criteria (2023). Collection method: clinical testing. Allele origin: unknown.
Comment: NM_001369.2(DNAH5):c.8973_8982del10ins2(M2992Tfs*23) is expected to be pathogenic in the context of primary ciliary dyskinesia, DNAH5-related. This variant is predicted to lead to an abnormal or absent protein product due to the creation of a premature termination codon in DNAH5, a gene where loss-of-function variants are known to be pathogenic. Please note: this variant was assessed in the context of healthy population screening.

NM_001369.3(DNAH5):c.8973_8982delinsTA (p.Met2992fs)

Gene: DNAH5 (dynein axonemal heavy chain 5; minus strand). Cytogenetic location: 5p15.2.
Variant type: Indel.
Coding change: c.8973_8982delinsTA on transcript NM_001369.3 (MANE Select); coding-DNA positions 8973 to 8982, GATGGAAGAT replaced by TA.
Protein change: p.Met2992fs; shifts the reading frame from methionine 2992.
Molecular consequence: frameshift variant.
Genome position (GRCh38, 1-based): chr5:13,777,325-13,777,334, ATCTTCCATC replaced by TA on the plus strand (GATGGAAGAT replaced by TA on the coding strand, the reverse complement: DNAH5 is on the minus strand). VCF-style: chr5-13777325-ATCTTCCATC-TA. GRCh37 (hg19) VCF-style: chr5-13777434-ATCTTCCATC-TA.
Other names: short protein forms M2992fs.
Identifiers: ClinVar variation 5010705 (VCV005010705.1).